The following is an entry in ClinVar:

ClinVar aggregate classification (germline): Uncertain significance (1 of 4 stars; one submission).

Conditions:
Hereditary cancer-predisposing syndrome. Also called: Neoplastic Syndromes, Hereditary; Tumor predisposition; Hereditary Cancer Syndrome; Hereditary neoplastic syndrome. Identifiers: Orphanet 140162, MedGen C0027672, MeSH D009386, MONDO:0015356.

Submission:

Ambry Genetics
Classification: Uncertain significance for Hereditary cancer-predisposing syndrome. Last evaluated: 2017-07-07. Review status: criteria provided, single submitter. Criteria: Ambry Variant Classification Scheme 2023. Collection method: clinical testing. Allele origin: germline.
Comment: The p.P1042S variant (also known as c.3124C>T), located in coding exon 19 of the DICER1 gene, results from a C to T substitution at nucleotide position 3124. The proline at codon 1042 is replaced by serine, an amino acid with similar properties. This amino acid position is highly conserved in available vertebrate species. In addition, the in silico prediction for this alteration is inconclusive. Since supporting evidence is limited at this time, the clinical significance of this alteration remains unclear.

NM_177438.3(DICER1):c.3124C>T (p.Pro1042Ser)

Gene: DICER1 (dicer 1, ribonuclease III; minus strand). Cytogenetic location: 14q32.13.
Variant type: single nucleotide variant.
Coding change: c.3124C>T on transcript NM_177438.3 (MANE Select); coding-DNA position 3124, C replaced by T.
Protein change: p.Pro1042Ser; replaces proline 1042 with serine.
Molecular consequence: missense variant.
Genome position (GRCh38, 1-based): chr14:95,105,216, G>A on the plus strand (C>T on the coding strand, the complement: DICER1 is on the minus strand). VCF-style: chr14-95105216-G-A. GRCh37 (hg19) VCF-style: chr14-95571553-G-A.
Other names: c.3124C>T, p.Pro1042Ser (NM_001271282.3, NM_001291628.2, NM_030621.4 and 1 more transcripts); short protein forms P1042S.
Identifiers: ClinVar variation 483447 (VCV000483447.5), dbSNP rs1555370050, ClinGen allele CA390876858.